The following is an entry in ClinVar:

ClinVar aggregate classification (germline): Uncertain significance (1 of 4 stars; one submission).

Conditions:
Odontochondrodysplasia 1. Identifiers: Orphanet 166272, MedGen C5542277, MONDO:0100325, OMIM 184260.

gnomAD v4.1: 3 of 1,614,054 alleles (0.00019%); highest among the groups gnomAD compares: Admixed American, 0.005%; no homozygotes.

Submission:

OLLIN Analises Genomicas, OLLIN
Classification: Uncertain significance for Odontochondrodysplasia 1. Last evaluated: 2026-08-06. Review status: criteria provided, single submitter. Criteria: ACMG Guidelines 2015 PMID 25741868. Collection method: clinical testing. Allele origin: germline.
Comment: This missense variant, located in exon 11 (of 21), has been observed in gnomAD with an allele frequency of 0.00019%, but has not been reported in ClinVar or identified in the literature. In silico analysis predicts that this variant has a tolerated effect. According to the currently available evidence, this variant has been classified as uncertain significance (PM2_P, BP4).

NM_004239.4(TRIP11):c.2764C>G (p.Gln922Glu)

Gene: TRIP11 (thyroid hormone receptor interactor 11; minus strand). Cytogenetic location: 14q32.12.
Variant type: single nucleotide variant.
Coding change: c.2764C>G on transcript NM_004239.4 (MANE Select); coding-DNA position 2764, C replaced by G.
Protein change: p.Gln922Glu; replaces glutamine 922 with glutamic acid.
Molecular consequence: missense variant.
Genome position (GRCh38, 1-based): chr14:92,005,212, G>C on the plus strand (C>G on the coding strand, the complement: TRIP11 is on the minus strand). VCF-style: chr14-92005212-G-C. GRCh37 (hg19) VCF-style: chr14-92471556-G-C.
Other names: c.2761C>G, p.Gln921Glu (NM_001321851.1); short protein forms Q921E, Q922E.
Identifiers: ClinVar variation 5003190 (VCV005003190.1).